The following is an entry in ClinVar:

ClinVar aggregate classification (germline): Uncertain significance (1 of 4 stars; one submission).

Conditions:
Immunodeficiency, common variable, 7. Identifiers: Orphanet 1572, Orphanet 696894, MedGen C3542922, MONDO:0013862, OMIM 614699.

Allele frequency attached by ClinVar (database versions not stated): gnomAD 0.00001; TOPMed 0.00001; gnomAD exomes below 0.00001.
gnomAD v4.1: 7 of 1,613,906 alleles (0.00043%); highest among the groups gnomAD compares: Non-Finnish European, 0.00059%; no homozygotes.

Submission:

Labcorp Genetics (formerly Invitae), Labcorp
Classification: Uncertain significance for Immunodeficiency, common variable, 7. Last evaluated: 2020-05-27. Review status: criteria provided, single submitter. Criteria: Invitae Variant Classification Sherloc (09022015). Collection method: clinical testing. Allele origin: germline.
Comment: In summary, the available evidence is currently insufficient to determine the role of this variant in disease. Therefore, it has been classified as a Variant of Uncertain Significance. Algorithms developed to predict the effect of missense changes on protein structure and function are either unavailable or do not agree on the potential impact of this missense change (SIFT: "Tolerated"; PolyPhen-2: "Possibly Damaging"; Align-GVGD: "Class C0"). This variant has not been reported in the literature in individuals with CR2-related conditions. This variant is not present in population databases (ExAC no frequency). This sequence change replaces serine with glycine at codon 204 of the CR2 protein (p.Ser204Gly). The serine residue is moderately conserved and there is a small physicochemical difference between serine and glycine.

NM_001006658.3(CR2):c.610A>G (p.Ser204Gly)

Gene: CR2 (complement C3d receptor 2; plus strand). Cytogenetic location: 1q32.2.
Variant type: single nucleotide variant.
Coding change: c.610A>G on transcript NM_001006658.3 (MANE Select); coding-DNA position 610, A replaced by G.
Protein change: p.Ser204Gly; replaces serine 204 with glycine.
Molecular consequence: missense variant.
Genome position (GRCh38, 1-based): chr1:207,468,691, A>G. VCF-style: chr1-207468691-A-G. GRCh37 (hg19) VCF-style: chr1-207642036-A-G.
Other names: c.610A>G, p.Ser204Gly (NM_001877.5); short protein forms S204G.
Identifiers: ClinVar variation 1015361 (VCV001015361.8), dbSNP rs1439521722, ClinGen allele CA344526308.